The following is an entry in ClinVar:

NM_002230.4(JUP):c.846C>T (p.Pro282=)

Gene: JUP (junction plakoglobin; minus strand). Cytogenetic location: 17q21.2.
Variant type: single nucleotide variant.
Coding change: c.846C>T on transcript NM_002230.4 (MANE Select); coding-DNA position 846, C replaced by T.
Protein change: p.Pro282=; no amino-acid change (proline 282 retained).
Molecular consequence: synonymous variant.
Genome position (GRCh38, 1-based): chr17:41,767,442, G>A on the plus strand (C>T on the coding strand, the complement: JUP is on the minus strand). VCF-style: chr17-41767442-G-A. GRCh37 (hg19) VCF-style: chr17-39923694-G-A.
Other names: c.846C>T, p.Pro282= (NM_001352773.2, NM_001352774.2, NM_001352775.2 and 3 more transcripts).
Identifiers: ClinVar variation 515836 (VCV000515836.3), dbSNP rs782262002, ClinGen allele CA8565371.

ClinVar aggregate classification (germline): Likely benign. Review status: criteria provided, multiple submitters, no conflicts (2 of 4 stars). 2 submissions from 2 submitters: Likely benign (2). Last evaluated 2024-05-22.

Conditions:
Naxos disease (NXD). Also called: PALMOPLANTAR KERATODERMA WITH ARRHYTHMOGENIC RIGHT VENTRICULAR CARDIOMYOPATHY AND WOOLLY HAIR; WOOLLY HAIR, PALMOPLANTAR KERATODERMA, AND CARDIAC ABNORMALITIES; KERATOSIS PALMOPLANTARIS WITH ARRHYTHMOGENIC CARDIOMYOPATHY; MAL DE NAXOS; CARDIOMYOPATHY, ARRHYTHMOGENIC RIGHT VENTRICULAR, WITH SKIN, HAIR, AND NAIL ABNORMALITIES. Identifiers: Orphanet 34217, MedGen C1832600, MONDO:0011017, OMIM 601214.
Arrhythmogenic right ventricular dysplasia 12. Also called: ARRHYTHMOGENIC RIGHT VENTRICULAR DYSPLASIA, FAMILIAL, 12. Identifiers: MedGen C1969081, MONDO:0012684, OMIM 611528.

Allele frequency attached by ClinVar (database versions not stated): gnomAD exomes below 0.00001; ExAC 0.00001; TOPMed 0.00001.
gnomAD v4.1: 1 of 1,614,168 alleles (0.000062%); highest among the groups gnomAD compares: Non-Finnish European, 0.000085%; no homozygotes.

Submissions (2):

Labcorp Genetics (formerly Invitae), Labcorp
Classification: Likely benign for Arrhythmogenic right ventricular dysplasia 12; Naxos disease. Last evaluated: 2024-05-22. Review status: criteria provided, single submitter. Criteria: Invitae Variant Classification Sherloc (09022015). Collection method: clinical testing. Allele origin: germline.

GeneDx
Classification: Likely benign. Last evaluated: 2018-03-01. Review status: criteria provided, single submitter. Criteria: GeneDx Variant Classification (06012015). Collection method: clinical testing. Allele origin: germline. Affected: yes.
Comment: This variant is considered likely benign or benign based on one or more of the following criteria: it is a conservative change, it occurs at a poorly conserved position in the protein, it is predicted to be benign by multiple in silico algorithms, and/or has population frequency not consistent with disease.